The following is an entry in ClinVar:

ClinVar aggregate classification (germline): Uncertain significance (1 of 4 stars; one submission).

Submission:

CeGaT Center for Human Genetics Tuebingen
Classification: Uncertain significance. Last evaluated: 2026-07-01. Review status: criteria provided, single submitter. Criteria: CeGaT Center For Human Genetics Tuebingen Variant Classification Criteria Version 2. Collection method: clinical testing. Allele origin: germline. Affected: yes. Observed: 1 variant allele.
Comment: KPNA3: PM2, PP2, PP3

NM_002267.4(KPNA3):c.732G>T (p.Leu244Phe)

Gene: KPNA3 (karyopherin subunit alpha 3; minus strand). Cytogenetic location: 13q14.2.
Variant type: single nucleotide variant.
Coding change: c.732G>T on transcript NM_002267.4 (MANE Select); coding-DNA position 732, G replaced by T.
Protein change: p.Leu244Phe; replaces leucine 244 with phenylalanine.
Molecular consequence: missense variant.
Genome position (GRCh38, 1-based): chr13:49,719,814, C>A on the plus strand (G>T on the coding strand, the complement: KPNA3 is on the minus strand). VCF-style: chr13-49719814-C-A. GRCh37 (hg19) VCF-style: chr13-50293950-C-A.
Other names: short protein forms L244F.
Identifiers: ClinVar variation 5039680 (VCV005039680.1).